The following is an entry in ClinVar:

ClinVar aggregate classification (germline): Uncertain significance. Review status: criteria provided, multiple submitters, no conflicts (2 of 4 stars). 3 submissions from 3 submitters: Uncertain significance (3). Last evaluated 2024-10-07.

Conditions:
Hereditary cancer-predisposing syndrome. Also called: Hereditary neoplastic syndrome; Tumor predisposition; Neoplastic Syndromes, Hereditary; Hereditary Cancer Syndrome. Identifiers: Orphanet 140162, MedGen C0027672, MeSH D009386, MONDO:0015356.
Familial cancer of breast. Also called: Hereditary breast cancer; BREAST CANCER, FAMILIAL; hereditary breast carcinoma. Identifiers: Orphanet 227535, MedGen C0346153, MONDO:0016419, OMIM 114480. Disease mechanism: loss of function.

Allele frequency attached by ClinVar (database versions not stated): gnomAD exomes below 0.00001.
gnomAD v4.1: 1 of 1,608,480 alleles (0.000062%); highest among the groups gnomAD compares: African/African-American, 0.0013%; no homozygotes.

Submissions (3):

Labcorp Genetics (formerly Invitae), Labcorp
Classification: Uncertain significance for Familial cancer of breast. Last evaluated: 2024-10-07. Review status: criteria provided, single submitter. Criteria: Invitae Variant Classification Sherloc (09022015). Collection method: clinical testing. Allele origin: germline.
Comment: This sequence change replaces isoleucine, which is neutral and non-polar, with threonine, which is neutral and polar, at codon 1035 of the PALB2 protein (p.Ile1035Thr). This variant is not present in population databases (gnomAD no frequency). This variant has not been reported in the literature in individuals affected with PALB2-related conditions. ClinVar contains an entry for this variant (Variation ID: 530174). Invitae Evidence Modeling of protein sequence and biophysical properties (such as structural, functional, and spatial information, amino acid conservation, physicochemical variation, residue mobility, and thermodynamic stability) indicates that this missense variant is expected to disrupt PALB2 protein function with a positive predictive value of 80%. In summary, the available evidence is currently insufficient to determine the role of this variant in disease. Therefore, it has been classified as a Variant of Uncertain Significance.

Blueprint Genetics
Classification: Uncertain significance. Last evaluated: 2024-03-05. Review status: criteria provided, single submitter. Criteria: ACMG Guidelines, 2015. Collection method: clinical testing. Allele origin: germline.

Ambry Genetics
Classification: Uncertain significance for Hereditary cancer-predisposing syndrome. Last evaluated: 2017-12-14. Review status: criteria provided, single submitter. Criteria: Ambry Variant Classification Scheme 2023. Collection method: clinical testing. Allele origin: germline.
Comment: The p.I1035T variant (also known as c.3104T>C), located in coding exon 10 of the PALB2 gene, results from a T to C substitution at nucleotide position 3104. The isoleucine at codon 1035 is replaced by threonine, an amino acid with similar properties. This amino acid position is not well conserved in available vertebrate species. In addition, the in silico prediction for this alteration is inconclusive. Since supporting evidence is limited at this time, the clinical significance of this alteration remains unclear.

NM_024675.4(PALB2):c.3104T>C (p.Ile1035Thr)

Gene: PALB2 (partner and localizer of BRCA2; minus strand). Cytogenetic location: 16p12.2.
Variant type: single nucleotide variant.
Coding change: c.3104T>C on transcript NM_024675.4 (MANE Select); coding-DNA position 3104, T replaced by C.
Protein change: p.Ile1035Thr; replaces isoleucine 1035 with threonine.
Molecular consequence: missense variant.
Genome position (GRCh38, 1-based): chr16:23,621,371, A>G on the plus strand (T>C on the coding strand, the complement: PALB2 is on the minus strand). VCF-style: chr16-23621371-A-G. GRCh37 (hg19) VCF-style: chr16-23632692-A-G.
Other names: short protein forms I1035T.
Identifiers: ClinVar variation 530174 (VCV000530174.15), dbSNP rs1555459362, ClinGen allele CA395142798.